The following is an entry in ClinVar:

ClinVar aggregate classification (germline): Uncertain significance. Review status: criteria provided, multiple submitters, no conflicts (2 of 4 stars). 2 submissions from 2 submitters: Uncertain significance (2). Last evaluated 2025-11-07.

Conditions:
Inborn genetic diseases. Identifiers: MedGen C0950123, MeSH D030342.
Drash syndrome (DDS). Also called: NEPHROPATHY, WILMS TUMOR, AND GENITAL ANOMALIES; WILMS TUMOR AND PSEUDO- OR TRUE HERMAPHRODITISM. Identifiers: Orphanet 220, MedGen C0950121, MONDO:0008682, OMIM 194080.
Frasier syndrome. Identifiers: Orphanet 347, MedGen C0950122, MeSH D052159, MONDO:0007635, OMIM 136680.
Wilms tumor 1 (WT1). Also called: Wilms tumor, somatic. Identifiers: Orphanet 654, MedGen CN033288, MONDO:0008679, OMIM 194070.
11p partial monosomy syndrome (WAGR). Also called: WAGR Spectrum Disorder; WAGR syndrome; WAGR Complex; CHROMOSOME 11p13 DELETION SYNDROME. Identifiers: Orphanet 893, MedGen C0206115, MONDO:0008681, OMIM 194072.

Allele frequency attached by ClinVar (database versions not stated): gnomAD exomes below 0.00001.
gnomAD v4.1: 6 of 1,495,876 alleles (0.0004%); highest among the groups gnomAD compares: South Asian, 0.0013%; no homozygotes.

Submissions (2):

Ambry Genetics
Classification: Uncertain significance for Inborn genetic diseases. Last evaluated: 2025-11-07. Review status: criteria provided, single submitter. Criteria: Ambry Variant Classification Scheme 2023. Collection method: clinical testing. Allele origin: germline.
Comment: The p.G88D variant (also known as c.263G>A), located in coding exon 1 of the WT1 gene, results from a G to A substitution at nucleotide position 263. The glycine at codon 88 is replaced by aspartic acid, an amino acid with similar properties. This amino acid position is well conserved in available vertebrate species. In addition, this alteration is predicted to be tolerated by in silico analysis. Based on the available evidence, the clinical significance of this variant remains unclear.

Labcorp Genetics (formerly Invitae), Labcorp
Classification: Uncertain significance for Wilms tumor 1; Drash syndrome; 11p partial monosomy syndrome; Frasier syndrome. Last evaluated: 2022-08-10. Review status: criteria provided, single submitter. Criteria: Invitae Variant Classification Sherloc (09022015). Collection method: clinical testing. Allele origin: germline.
Comment: In summary, the available evidence is currently insufficient to determine the role of this variant in disease. Therefore, it has been classified as a Variant of Uncertain Significance. Algorithms developed to predict the effect of missense changes on protein structure and function are either unavailable or do not agree on the potential impact of this missense change (SIFT: "Deleterious"; PolyPhen-2: "Probably Damaging"; Align-GVGD: "Class C0"). ClinVar contains an entry for this variant (Variation ID: 653745). This variant has not been reported in the literature in individuals affected with WT1-related conditions. This variant is not present in population databases (gnomAD no frequency). This sequence change replaces glycine, which is neutral and non-polar, with aspartic acid, which is acidic and polar, at codon 88 of the WT1 protein (p.Gly88Asp).

NM_024426.6(WT1):c.278G>A (p.Gly93Asp)

Genes: WT1 (WT1 transcription factor; minus strand), LOC107982234 (WT1/WT1-AS bi-directional promoter region; plus strand). Cytogenetic location: 11p13.
Variant type: single nucleotide variant.
Coding change: c.278G>A on transcript NM_024426.6 (MANE Select); coding-DNA position 278, G replaced by A.
Protein change: p.Gly93Asp; replaces glycine 93 with aspartic acid.
Molecular consequence: missense variant. On other transcripts: non-coding transcript variant (1).
Genome position (GRCh38, 1-based): chr11:32,435,083, C>T on the plus strand (G>A on the coding strand, the complement: WT1 is on the minus strand). VCF-style: chr11-32435083-C-T. GRCh37 (hg19) VCF-style: chr11-32456629-C-T.
Other names: c.278G>A, p.Gly93Asp (NM_000378.6, NM_024424.5); short protein forms G93D.
Identifiers: ClinVar variation 653745 (VCV000653745.10), dbSNP rs1590410578, ClinGen allele CA379966017.